The following is an entry in ClinVar:

ClinVar aggregate classification (germline): Uncertain significance. Review status: criteria provided, multiple submitters, no conflicts (2 of 4 stars). 4 submissions from 4 submitters: Uncertain significance (4). Last evaluated 2025-09-24.

Conditions:
Hereditary cancer-predisposing syndrome. Also called: Neoplastic Syndromes, Hereditary; Tumor predisposition; Hereditary neoplastic syndrome; Hereditary Cancer Syndrome. Identifiers: Orphanet 140162, MedGen C0027672, MeSH D009386, MONDO:0015356.
Familial adenomatous polyposis 1 (FAP1). Also called: POLYPOSIS, ADENOMATOUS INTESTINAL; FAMILIAL ADENOMATOUS POLYPOSIS 1, ATTENUATED. Identifiers: MedGen C2713442, MONDO:0021056, OMIM 175100. Disease mechanism: loss of function.

Allele frequency attached by ClinVar (database versions not stated): gnomAD 0.00001; ExAC 0.00002.
gnomAD v4.1: 2 of 1,613,968 alleles (0.00012%); highest among the groups gnomAD compares: Non-Finnish European, 0.00017%; no homozygotes.

Submissions (4):

Labcorp Genetics (formerly Invitae), Labcorp
Classification: Uncertain significance for Familial adenomatous polyposis 1. Last evaluated: 2025-09-24. Review status: criteria provided, single submitter. Criteria: Invitae Variant Classification Sherloc (09022015). Collection method: clinical testing. Allele origin: germline.
Comment: This sequence change replaces leucine, which is neutral and non-polar, with proline, which is neutral and non-polar, at codon 2722 of the APC protein (p.Leu2722Pro). This variant is present in population databases (rs757420538, gnomAD 0.0009%). This variant has not been reported in the literature in individuals affected with APC-related conditions. ClinVar contains an entry for this variant (Variation ID: 630203). Invitae Evidence Modeling of protein sequence and biophysical properties (such as structural, functional, and spatial information, amino acid conservation, physicochemical variation, residue mobility, and thermodynamic stability) indicates that this missense variant is not expected to disrupt APC protein function with a negative predictive value of 95%. In summary, the available evidence is currently insufficient to determine the role of this variant in disease. Therefore, it has been classified as a Variant of Uncertain Significance.

Molecular Pathology, Peter Maccallum Cancer Centre
Classification: Uncertain significance for Familial adenomatous polyposis 1. Last evaluated: 2024-12-04. Review status: criteria provided, single submitter. Criteria: ACMG Guidelines, 2015. Collection method: clinical testing. Allele origin: germline. Inheritance: Autosomal dominant inheritance.

Color Diagnostics, LLC DBA Color Health
Classification: Uncertain significance for Hereditary cancer-predisposing syndrome. Last evaluated: 2023-12-05. Review status: criteria provided, single submitter. Criteria: ACMG Guidelines, 2015. Collection method: clinical testing. Allele origin: germline.
Comment: This missense variant replaces leucine with proline at codon 2722 of the APC protein. Computational prediction suggests that this variant may not impact protein structure and function (internally defined REVEL score threshold <= 0.5, PMID: 27666373). To our knowledge, functional studies have not been reported for this variant. This variant has not been reported in individuals affected with APC-related disorders in the literature. This variant has been identified in 2/251324 chromosomes in the general population by the Genome Aggregation Database (gnomAD). The available evidence is insufficient to determine the role of this variant in disease conclusively. Therefore, this variant is classified as a Variant of Uncertain Significance.

Ambry Genetics
Classification: Uncertain significance for Hereditary cancer-predisposing syndrome. Last evaluated: 2023-11-05. Review status: criteria provided, single submitter. Criteria: Ambry Variant Classification Scheme 2023. Collection method: clinical testing. Allele origin: germline.
Comment: The p.L2722P variant (also known as c.8165T>C), located in coding exon 15 of the APC gene, results from a T to C substitution at nucleotide position 8165. The leucine at codon 2722 is replaced by proline, an amino acid with similar properties. This amino acid position is well conserved in available vertebrate species. In addition, in silico predictors for this gene do not accurately predict pathogenicity. Since supporting evidence is limited at this time, the clinical significance of this alteration remains unclear.

NM_000038.6(APC):c.8165T>C (p.Leu2722Pro)

Gene: APC (APC regulator of Wnt signaling pathway; plus strand). Cytogenetic location: 5q22.2.
Variant type: single nucleotide variant.
Coding change: c.8165T>C on transcript NM_000038.6 (MANE Select); coding-DNA position 8165, T replaced by C.
Protein change: p.Leu2722Pro; replaces leucine 2722 with proline.
Molecular consequence: missense variant.
Genome position (GRCh38, 1-based): chr5:112,843,759, T>C. VCF-style: chr5-112843759-T-C. GRCh37 (hg19) VCF-style: chr5-112179456-T-C.
Other names: c.8165T>C, p.Leu2722Pro (NM_001127510.3, NM_001354895.2); c.8111T>C, p.Leu2704Pro (NM_001127511.3); c.8219T>C, p.Leu2740Pro (NM_001354896.2); c.8195T>C, p.Leu2732Pro (NM_001354897.2); c.8090T>C, p.Leu2697Pro (NM_001354898.2); c.8081T>C, p.Leu2694Pro (NM_001354899.2); c.8042T>C, p.Leu2681Pro (NM_001354900.2); c.7988T>C, p.Leu2663Pro (NM_001354901.2); and 5 more; short protein forms L2722P, L2704P, L2596P, L2663P, L2681P, L2697P, L2562P, L2631P.
Identifiers: ClinVar variation 630203 (VCV000630203.58), dbSNP rs757420538, ClinGen allele CA050043.